The following is an entry in ClinVar:

ClinVar aggregate classification (germline): Conflicting classifications of pathogenicity. Review status: criteria provided, conflicting classifications (1 of 4 stars). 5 submissions from 5 submitters: Uncertain significance (4); Likely benign (1). Last evaluated 2026-08-28.

Conditions:
Inborn genetic diseases. Identifiers: MedGen C0950123, MeSH D030342.
COL11A1-related disorder. Also called: COL11A1-related disorders; COL11A1-related condition.

Allele frequency attached by ClinVar (database versions not stated): TOPMed 0.00002; gnomAD 0.00004; gnomAD exomes 0.00005; ExAC 0.00006; ESP Exome Variant Server 0.00008; 1000 Genomes Project 30x 0.00016; 1000 Genomes Project 0.00020.
gnomAD v4.1: 81 of 1,607,350 alleles (0.005%); highest among the groups gnomAD compares: Non-Finnish European, 0.0067%; no homozygotes.

Submissions (5):

PreventionGenetics, part of Exact Sciences
Classification: Uncertain significance for COL11A1-related condition. Last evaluated: 2026-08-28. Review status: criteria provided, single submitter. Criteria: ACMG Guidelines, 2015. Collection method: clinical testing. Allele origin: germline.
Comment: The COL11A1 c.3595C>G variant is predicted to result in the amino acid substitution p.Leu1199Val. To our knowledge, this variant has not been reported in the literature. This variant is reported in 0.011% of alleles in individuals of European (Non-Finnish) descent in gnomAD and has been observed in 81 total alleles in the gnomAD v4.1.1 database, which may be too high for variant causative for autosomal dominant disorder. At this time, the clinical significance of this variant is uncertain due to the absence of conclusive functional and genetic evidence.

Labcorp Genetics (formerly Invitae), Labcorp
Classification: Likely benign. Last evaluated: 2026-01-21. Review status: criteria provided, single submitter. Criteria: Invitae Variant Classification Sherloc (09022015). Collection method: clinical testing. Allele origin: germline.

Ambry Genetics
Classification: Uncertain significance for Inborn genetic diseases. Last evaluated: 2025-07-02. Review status: criteria provided, single submitter. Criteria: Ambry Variant Classification Scheme 2023. Collection method: clinical testing. Allele origin: germline.

Blueprint Genetics
Classification: Uncertain significance. Last evaluated: 2024-09-24. Review status: criteria provided, single submitter. Criteria: ACMG Guidelines, 2015. Collection method: clinical testing. Allele origin: germline.

GeneDx
Classification: Uncertain significance. Last evaluated: 2023-09-28. Review status: criteria provided, single submitter. Criteria: GeneDx Variant Classification Process June 2021. Collection method: clinical testing. Allele origin: germline. Affected: yes.
Comment: Has not been previously published as pathogenic or benign to our knowledge; In silico analysis supports that this missense variant has a deleterious effect on protein structure/function

NM_001854.4(COL11A1):c.3595C>G (p.Leu1199Val)

Gene: COL11A1 (collagen type XI alpha 1 chain; minus strand). Cytogenetic location: 1p21.1.
Variant type: single nucleotide variant.
Coding change: c.3595C>G on transcript NM_001854.4 (MANE Select); coding-DNA position 3595, C replaced by G.
Protein change: p.Leu1199Val; replaces leucine 1199 with valine.
Molecular consequence: missense variant. On other transcripts: non-coding transcript variant (1).
Genome position (GRCh38, 1-based): chr1:102,934,454, G>C on the plus strand (C>G on the coding strand, the complement: COL11A1 is on the minus strand). VCF-style: chr1-102934454-G-C. GRCh37 (hg19) VCF-style: chr1-103400010-G-C.
Other names: c.3478C>G, p.Leu1160Val (NM_001190709.2); c.3631C>G, p.Leu1211Val (NM_080629.3); c.3247C>G, p.Leu1083Val (NM_080630.4); short protein forms L1083V, L1160V, L1199V, L1211V.
Identifiers: ClinVar variation 1186515 (VCV001186515.17), dbSNP rs138507620, ClinGen allele CA973959.